The following is an entry in ClinVar:

NM_001005242.3(PKP2):c.746G>C (p.Ser249Thr)

Gene: PKP2 (plakophilin 2; minus strand). Cytogenetic location: 12p11.21.
Variant type: single nucleotide variant.
Coding change: c.746G>C on transcript NM_001005242.3 (MANE Select); coding-DNA position 746, G replaced by C.
Protein change: p.Ser249Thr; replaces serine 249 with threonine.
Molecular consequence: missense variant.
Genome position (GRCh38, 1-based): chr12:32,878,134, C>G on the plus strand (G>C on the coding strand, the complement: PKP2 is on the minus strand). VCF-style: chr12-32878134-C-G. GRCh37 (hg19) VCF-style: chr12-33031068-C-G.
Other names: c.746G>C, p.Ser249Thr (NM_001407155.1, NM_001407156.1, NM_001407157.1 and 2 more transcripts); c.419G>C, p.Ser140Thr (NM_001407158.1, NM_001407159.1, NM_001407160.1 and 1 more transcripts); short protein forms S249T, S140T.
Identifiers: ClinVar variation 2774105 (VCV002774105.2), dbSNP rs1085307949, ClinGen allele CA384362810.
Genomic context (GRCh38, chr12:32,878,134, plus strand): 5'-CCGACAGTGAGCCCTGCCGTCAGGTAGTTCTCCTTCTCCAAGAGGTTGCCCATGCTGCGG[C>G]TGGTCCCTGGCCTGGGGTACGTGAGCAGGGCCGGGTTGGCAGGGATGCTGTCAAAAACGG-3'
Protein context (NP_001005242.2, residues 239-259): ALLTYPRPGT[Ser249Thr]RSMGNLLEKE

ClinVar aggregate classification (germline): Uncertain significance (1 of 4 stars; one submission).

Conditions:
Cardiomyopathy (CMYO). Also called: Cardiomyopathies. Identifiers: Orphanet 167848, MedGen C0878544, MONDO:0004994, HP:0001638. Inheritance: Various modes of inheritance.

Submission:

Color Diagnostics, LLC DBA Color Health
Classification: Uncertain significance for Cardiomyopathy. Last evaluated: 2024-01-05. Review status: criteria provided, single submitter. Criteria: ACMG Guidelines, 2015. Collection method: clinical testing. Allele origin: germline.
Comment: This missense variant replaces serine with threonine at codon 249 of the PKP2 protein. Computational prediction suggests that this variant may have deleterious impact on protein structure and function (internally defined REVEL score threshold >= 0.7, PMID: 27666373). To our knowledge, functional studies have not been reported for this variant. This variant has been reported in compound heterozygous state with a known pathogenic PKP2 variant in an individual affected with arrhythmogenic cardiomyopathy (PMID: 30830208). The c.746G>C variant was inherited from the father who reported no symptoms but had an enlarged right ventricular outflow tract with dyskinesia. This variant has also been observed in another individual affected with definite arrhythmogenic right ventricular cardiomyopathy (PMID: 25765472). This variant has not been identified in the general population by the Genome Aggregation Database (gnomAD). The available evidence is insufficient to determine the role of this variant in disease conclusively. Therefore, this variant is classified as a Variant of Uncertain Significance.

Literature cited by the submitters: PubMed 25765472; PubMed 30830208.